The following is an entry in ClinVar:

ClinVar aggregate classification (germline): Uncertain significance. Review status: criteria provided, multiple submitters, no conflicts (2 of 4 stars). 2 submissions from 2 submitters: Uncertain significance (2). Last evaluated 2025-02-08.

Conditions:
Immunodeficiency 19 (IMD19). Also called: SCID, T CELL-NEGATIVE, B CELL-POSITIVE, NK CELL-POSITIVE; CD3-DELTA DEFICIENCY; SEVERE COMBINED IMMUNODEFICIENCY, T CELL-NEGATIVE, B CELL-POSITIVE, NK CELL-POSITIVE; IMMUNODEFICIENCY 19, SEVERE COMBINED. Identifiers: MedGen C3810147, MONDO:0014280, OMIM 615617.
Inborn genetic diseases. Identifiers: MedGen C0950123, MeSH D030342.

Allele frequency attached by ClinVar (database versions not stated): gnomAD exomes below 0.00001.
gnomAD v4.1: 19 of 1,613,918 alleles (0.0012%); highest among the groups gnomAD compares: Non-Finnish European, 0.0016%; no homozygotes.

Submissions (2):

Ambry Genetics
Classification: Uncertain significance for Inborn genetic diseases. Last evaluated: 2025-02-08. Review status: criteria provided, single submitter. Criteria: Ambry Variant Classification Scheme 2023. Collection method: clinical testing. Allele origin: germline.

Labcorp Genetics (formerly Invitae), Labcorp
Classification: Uncertain significance for Immunodeficiency 19. Last evaluated: 2023-12-12. Review status: criteria provided, single submitter. Criteria: Invitae Variant Classification Sherloc (09022015). Collection method: clinical testing. Allele origin: germline.
Comment: This sequence change replaces threonine, which is neutral and polar, with isoleucine, which is neutral and non-polar, at codon 56 of the CD3D protein (p.Thr56Ile). This variant is present in population databases (rs201422803, gnomAD 0.0009%). This variant has not been reported in the literature in individuals affected with CD3D-related conditions. ClinVar contains an entry for this variant (Variation ID: 1502045). An algorithm developed to predict the effect of missense changes on protein structure and function (PolyPhen-2) suggests that this variant is likely to be tolerated. In summary, the available evidence is currently insufficient to determine the role of this variant in disease. Therefore, it has been classified as a Variant of Uncertain Significance.

NM_000732.6(CD3D):c.167C>T (p.Thr56Ile)

Gene: CD3D (CD3 delta subunit of T-cell receptor complex; minus strand). Cytogenetic location: 11q23.3.
Variant type: single nucleotide variant.
Coding change: c.167C>T on transcript NM_000732.6 (MANE Select); coding-DNA position 167, C replaced by T.
Protein change: p.Thr56Ile; replaces threonine 56 with isoleucine.
Molecular consequence: missense variant.
Genome position (GRCh38, 1-based): chr11:118,340,482, G>A on the plus strand (C>T on the coding strand, the complement: CD3D is on the minus strand). VCF-style: chr11-118340482-G-A. GRCh37 (hg19) VCF-style: chr11-118211197-G-A.
Other names: c.167C>T, p.Thr56Ile (NM_001040651.2); c.167C>T (NM_000732.4); short protein forms T56I.
Identifiers: ClinVar variation 1502045 (VCV001502045.7), dbSNP rs201422803, ClinGen allele CA229522806.